The following is an entry in ClinVar:

ClinVar aggregate classification (germline): Benign. Review status: criteria provided, multiple submitters, no conflicts (2 of 4 stars). 3 submissions from 3 submitters: Benign (2). 1 of the submissions does not count toward it. Last evaluated 2021-05-04.

Conditions:
ITPR3-related disorder. Also called: ITPR3-related condition.

Allele frequency attached by ClinVar (database versions not stated): 1000 Genomes Project 0.01518; 1000 Genomes Project 30x 0.01608; ESP Exome Variant Server 0.02014; TOPMed 0.02075.
gnomAD v4.1: 7,362 of 1,613,558 alleles (0.46%); highest among the groups gnomAD compares: African/African-American, 5.9%; 151 homozygotes.

Submissions (3):

GeneDx
Classification: Benign. Last evaluated: 2021-05-04. Review status: criteria provided, single submitter. Criteria: GeneDx Variant Classification Process June 2021. Collection method: clinical testing. Allele origin: germline. Affected: yes.

Labcorp Genetics (formerly Invitae), Labcorp
Classification: Benign. Last evaluated: 2019-12-31. Review status: criteria provided, single submitter. Criteria: Invitae Variant Classification Sherloc (09022015). Collection method: clinical testing. Allele origin: germline.

PreventionGenetics, part of Exact Sciences
Classification: Benign for ITPR3-related condition. Last evaluated: 2019-02-19. Review status: no assertion criteria provided. Collection method: clinical testing. Allele origin: germline. Not counted in ClinVar's aggregate classification.
Comment: This variant is classified as benign based on ACMG/AMP sequence variant interpretation guidelines (Richards et al. 2015 PMID: 25741868, with internal and published modifications).

NM_002224.4(ITPR3):c.4185C>T (p.Asp1395=)

Gene: ITPR3 (inositol 1,4,5-trisphosphate receptor type 3; plus strand). Cytogenetic location: 6p21.31.
Variant type: single nucleotide variant.
Coding change: c.4185C>T on transcript NM_002224.4 (MANE Select); coding-DNA position 4185, C replaced by T.
Protein change: p.Asp1395=; no amino-acid change (aspartic acid 1395 retained).
Molecular consequence: synonymous variant.
Genome position (GRCh38, 1-based): chr6:33,680,094, C>T. VCF-style: chr6-33680094-C-T. GRCh37 (hg19) VCF-style: chr6-33647871-C-T.
Identifiers: ClinVar variation 770551 (VCV000770551.8), dbSNP rs41271253, ClinGen allele CA3761152.